The following is an entry in ClinVar:

NM_021930.6(RINT1):c.1301G>A (p.Cys434Tyr)

Gene: RINT1 (RAD50 interactor 1; plus strand). Cytogenetic location: 7q22.3.
Variant type: single nucleotide variant.
Coding change: c.1301G>A on transcript NM_021930.6 (MANE Select); coding-DNA position 1301, G replaced by A.
Protein change: p.Cys434Tyr; replaces cysteine 434 with tyrosine.
Molecular consequence: missense variant. On other transcripts: non-coding transcript variant (1).
Genome position (GRCh38, 1-based): chr7:105,550,454, G>A. VCF-style: chr7-105550454-G-A. GRCh37 (hg19) VCF-style: chr7-105190901-G-A.
Other names: c.1067G>A, p.Cys356Tyr (NM_001346599.2); c.278G>A, p.Cys93Tyr (NM_001346600.2, NM_001346603.2); c.377G>A, p.Cys126Tyr (NM_001346601.2); short protein forms C126Y, C356Y, C434Y, C93Y.
Identifiers: ClinVar variation 4863337 (VCV004863337.1).

ClinVar aggregate classification (germline): Uncertain significance (1 of 4 stars; one submission).

Submission:

Ambry Genetics
Classification: Uncertain significance. Last evaluated: 2026-05-14. Review status: criteria provided, single submitter. Criteria: Ambry Variant Classification Scheme 2023. Collection method: clinical testing. Allele origin: germline.
Comment: The p.C434Y variant (also known as c.1301G>A), located in coding exon 9 of the RINT1 gene, results from a G to A substitution at nucleotide position 1301. The cysteine at codon 434 is replaced by tyrosine, an amino acid with highly dissimilar properties. This amino acid position is conserved. In addition, this alteration is predicted to be tolerated by in silico analysis. Based on the available evidence, the clinical significance of this variant remains unclear.